The following is an entry in ClinVar:

NM_153252.5(BRWD3):c.4208C>T (p.Ala1403Val)

Gene: BRWD3 (bromodomain and WD repeat domain containing 3; minus strand). Cytogenetic location: Xq21.1.
Variant type: single nucleotide variant.
Coding change: c.4208C>T on transcript NM_153252.5 (MANE Select); coding-DNA position 4208, C replaced by T.
Protein change: p.Ala1403Val; replaces alanine 1403 with valine.
Molecular consequence: missense variant.
Genome position (GRCh38, 1-based): chrX:80,684,035, G>A on the plus strand (C>T on the coding strand, the complement: BRWD3 is on the minus strand). VCF-style: chrX-80684035-G-A. GRCh37 (hg19) VCF-style: chrX-79939534-G-A.
Other names: short protein forms A1403V.
Identifiers: ClinVar variation 1810646 (VCV001810646.2), dbSNP rs2520215570, ClinGen allele CA413610420.
Genomic context (GRCh38, chrX:80,684,035, plus strand): 5'-AACTGCCTGATAATTAACCCAACTAATAATCATACCCTTGACTTTTTATTAGAGGTATAA[G>A]CTTTGGAGTTGTTGAATATTTGGCGAACATCCTTATAAAATTCCAGAGGACTACCATAGT-3'
Protein context (NP_694984.5, residues 1393-1413): DVRQIFNNSK[Ala1403Val]YTSNKKSRIY

ClinVar aggregate classification (germline): Uncertain significance (1 of 4 stars; one submission).

Submission:

GeneDx
Classification: Uncertain significance. Last evaluated: 2026-08-01. Review status: criteria provided, single submitter. Criteria: GeneDx Variant Classification Process June 2021. Collection method: clinical testing. Allele origin: germline.
Comment: Not observed at significant frequency in large population cohorts (gnomAD); In silico analysis supports that this missense variant has a deleterious effect on protein structure/function; Has not been previously published as pathogenic or benign to our knowledge